The following is an entry in ClinVar:

NM_001005373.4(LRSAM1):c.1264G>A (p.Ala422Thr)

Gene: LRSAM1 (leucine rich repeat and sterile alpha motif containing 1; plus strand). Cytogenetic location: 9q33.3.
Variant type: single nucleotide variant.
Coding change: c.1264G>A on transcript NM_001005373.4 (MANE Select); coding-DNA position 1264, G replaced by A.
Protein change: p.Ala422Thr; replaces alanine 422 with threonine.
Molecular consequence: missense variant. On other transcripts: non-coding transcript variant (2).
Genome position (GRCh38, 1-based): chr9:127,487,680, G>A. VCF-style: chr9-127487680-G-A. GRCh37 (hg19) VCF-style: chr9-130249959-G-A.
Other names: c.1264G>A, p.Ala422Thr (NM_001005374.4, NM_001190723.3, NM_001384142.1 and 2 more transcripts); c.475G>A, p.Ala159Thr (NM_001384144.1); c.1264G>A (NM_138361.4); short protein forms A159T, A422T.
Identifiers: ClinVar variation 2050470 (VCV002050470.7), dbSNP rs372452916, ClinGen allele CA5246917.

ClinVar aggregate classification (germline): Uncertain significance. Review status: criteria provided, multiple submitters, no conflicts (2 of 4 stars). 4 submissions from 4 submitters: Uncertain significance (4). Last evaluated 2026-01-14.

Conditions:
LRSAM1-related disorder. Also called: LRSAM1-related condition.
Inborn genetic diseases. Identifiers: MedGen C0950123, MeSH D030342.
Charcot-Marie-Tooth disease axonal type 2P. Also called: Charcot-Marie-Tooth Neuropathy Type 2G; CHARCOT-MARIE-TOOTH NEUROPATHY, TYPE 2P; CHARCOT-MARIE-TOOTH DISEASE, AXONAL, TYPE 2G; CMT 2G. Identifiers: Orphanet 300319, Orphanet 99941, MedGen C3280797, MONDO:0013753, OMIM 614436.

Allele frequency attached by ClinVar (database versions not stated): gnomAD exomes 0.00001; ExAC 0.00002; gnomAD 0.00011; TOPMed 0.00014; ESP Exome Variant Server 0.00015.
gnomAD v4.1: 31 of 1,613,290 alleles (0.0019%); highest among the groups gnomAD compares: African/African-American, 0.033%; no homozygotes.

Submissions (4):

PreventionGenetics, part of Exact Sciences
Classification: Uncertain significance for LRSAM1-related condition. Last evaluated: 2026-01-14. Review status: criteria provided, single submitter. Criteria: ACMG Guidelines, 2015. Collection method: clinical testing. Allele origin: germline.
Comment: The LRSAM1 c.1264G>A variant is predicted to result in the amino acid substitution p.Ala422Thr. To our knowledge, this variant has not been reported in the literature. This variant is reported in 0.032% of alleles in individuals of African descent in gnomAD. At this time, the clinical significance of this variant is uncertain due to the absence of conclusive functional and genetic evidence.

Labcorp Genetics (formerly Invitae), Labcorp
Classification: Uncertain significance for Charcot-Marie-Tooth disease axonal type 2P. Last evaluated: 2024-09-24. Review status: criteria provided, single submitter. Criteria: Invitae Variant Classification Sherloc (09022015). Collection method: clinical testing. Allele origin: germline.
Comment: This sequence change replaces alanine, which is neutral and non-polar, with threonine, which is neutral and polar, at codon 422 of the LRSAM1 protein (p.Ala422Thr). This variant is present in population databases (rs372452916, gnomAD 0.03%). This variant has not been reported in the literature in individuals affected with LRSAM1-related conditions. ClinVar contains an entry for this variant (Variation ID: 2050470). Invitae Evidence Modeling of protein sequence and biophysical properties (such as structural, functional, and spatial information, amino acid conservation, physicochemical variation, residue mobility, and thermodynamic stability) indicates that this missense variant is not expected to disrupt LRSAM1 protein function with a negative predictive value of 80%. In summary, the available evidence is currently insufficient to determine the role of this variant in disease. Therefore, it has been classified as a Variant of Uncertain Significance.

Ambry Genetics
Classification: Uncertain significance for Inborn genetic diseases. Last evaluated: 2024-01-17. Review status: criteria provided, single submitter. Criteria: Ambry Variant Classification Scheme 2023. Collection method: clinical testing. Allele origin: germline.

Breakthrough Genomics
Classification: Uncertain significance. Review status: criteria provided, single submitter. Criteria: ACMG Guidelines, 2015. Collection method: not provided. Allele origin: germline. Inheritance: Autosomal recessive inheritance. Affected: yes.